The following is an entry in ClinVar:

ClinVar aggregate classification (germline): Uncertain significance. Review status: criteria provided, multiple submitters, no conflicts (2 of 4 stars). 4 submissions from 4 submitters: Uncertain significance (4). Last evaluated 2025-09-24.

Conditions:
Developmental and epileptic encephalopathy, 62. Also called: Early infantile epileptic encephalopathy 62. Identifiers: MedGen C4693699, MONDO:0033371, OMIM 617938.
Inborn genetic diseases. Identifiers: MedGen C0950123, MeSH D030342.

Allele frequency attached by ClinVar (database versions not stated): gnomAD exomes 0.00001 and below 0.00001; TOPMed 0.00001; 1000 Genomes Project 30x 0.00016; 1000 Genomes Project 0.00020; ExAC 0.00001; gnomAD 0.00001.
gnomAD v4.1: 3 of 1,614,110 alleles (0.00019%); highest among the groups gnomAD compares: East Asian, 0.0045%; no homozygotes.

Submissions (4):

Genesolutions, Medical Genetics Institutes, Ho Chi Minh City, Vietnam
Classification: Uncertain significance for Developmental and epileptic encephalopathy, 62. Last evaluated: 2025-09-24. Review status: criteria provided, single submitter. Criteria: ACMG Guidelines, 2015. Collection method: clinical testing. Allele origin: germline. Affected: yes.

Labcorp Genetics (formerly Invitae), Labcorp
Classification: Uncertain significance. Last evaluated: 2025-08-11. Review status: criteria provided, single submitter. Criteria: Invitae Variant Classification Sherloc (09022015). Collection method: clinical testing. Allele origin: germline.
Comment: This sequence change replaces isoleucine, which is neutral and non-polar, with methionine, which is neutral and non-polar, at codon 1808 of the SCN3A protein (p.Ile1808Met). This variant is present in population databases (rs535637931, gnomAD 0.006%). This variant has not been reported in the literature in individuals affected with SCN3A-related conditions. ClinVar contains an entry for this variant (Variation ID: 998647). Invitae Evidence Modeling of protein sequence and biophysical properties (such as structural, functional, and spatial information, amino acid conservation, physicochemical variation, residue mobility, and thermodynamic stability) indicates that this missense variant is not expected to disrupt SCN3A protein function with a negative predictive value of 95%. In summary, the available evidence is currently insufficient to determine the role of this variant in disease. Therefore, it has been classified as a Variant of Uncertain Significance.

Ambry Genetics
Classification: Uncertain significance for Inborn genetic diseases. Last evaluated: 2025-06-10. Review status: criteria provided, single submitter. Criteria: Ambry Variant Classification Scheme 2023. Collection method: clinical testing. Allele origin: germline.

GeneDx
Classification: Uncertain significance. Last evaluated: 2021-04-12. Review status: criteria provided, single submitter. Criteria: GeneDx Variant Classification Process June 2021. Collection method: clinical testing. Allele origin: germline. Affected: yes.
Comment: In silico analysis supports that this missense variant does not alter protein structure/function; Has not been previously published as pathogenic or benign to our knowledge

NM_006922.4(SCN3A):c.5424A>G (p.Ile1808Met)

Gene: SCN3A (sodium voltage-gated channel alpha subunit 3; minus strand). Cytogenetic location: 2q24.3.
Variant type: single nucleotide variant.
Coding change: c.5424A>G on transcript NM_006922.4 (MANE Select); coding-DNA position 5424, A replaced by G.
Protein change: p.Ile1808Met; replaces isoleucine 1808 with methionine.
Molecular consequence: missense variant.
Genome position (GRCh38, 1-based): chr2:165,090,729, T>C on the plus strand (A>G on the coding strand, the complement: SCN3A is on the minus strand). VCF-style: chr2-165090729-T-C. GRCh37 (hg19) VCF-style: chr2-165947239-T-C.
Other names: c.5277A>G, p.Ile1759Met (NM_001081676.2, NM_001081677.2); short protein forms I1759M, I1808M.
Identifiers: ClinVar variation 998647 (VCV000998647.9), dbSNP rs535637931, ClinGen allele CA1938407.